The following is an entry in ClinVar:

NM_022765.4(MICAL1):c.867C>G (p.Asp289Glu)

Gene: MICAL1 (microtubule associated monooxygenase, calponin and LIM domain containing 1; minus strand). Cytogenetic location: 6q21.
Variant type: single nucleotide variant.
Coding change: c.867C>G on transcript NM_022765.4 (MANE Select); coding-DNA position 867, C replaced by G.
Protein change: p.Asp289Glu; replaces aspartic acid 289 with glutamic acid.
Molecular consequence: missense variant.
Genome position (GRCh38, 1-based): chr6:109,451,666, G>C on the plus strand (C>G on the coding strand, the complement: MICAL1 is on the minus strand). VCF-style: chr6-109451666-G-C. GRCh37 (hg19) VCF-style: chr6-109772869-G-C.
Other names: c.867C>G, p.Asp289Glu (NM_001159291.2); c.924C>G, p.Asp308Glu (NM_001286613.2); short protein forms D308E, D289E.
Identifiers: ClinVar variation 1935472 (VCV001935472.5), dbSNP rs748032265, ClinGen allele CA3953576.
Genomic context (GRCh38, chr6:109,451,666, plus strand): 5'-CAGCACCCCCAGCCGCAGCAGGCACTGCTTCTTGGCTGTCATCACAAAGTAGTGGGTGTC[G>C]TCCTTGTAGTACACAATGTTCTCCAGATCAATGCCTGGGGGTACAGGGCAGGGGACAGTA-3'
Protein context (NP_073602.3, residues 279-299): IDLENIVYYK[Asp289Glu]DTHYFVMTAK

ClinVar aggregate classification (germline): Uncertain significance (1 of 4 stars; one submission).

gnomAD v4.1: 11 of 1,614,052 alleles (0.00068%); highest among the groups gnomAD compares: South Asian, 0.0099%; no homozygotes.

Submission:

Labcorp Genetics (formerly Invitae), Labcorp
Classification: Uncertain significance. Last evaluated: 2022-10-07. Review status: criteria provided, single submitter. Criteria: Invitae Variant Classification Sherloc (09022015). Collection method: clinical testing. Allele origin: germline.
Comment: This variant is present in population databases (rs748032265, gnomAD 0.01%). This sequence change replaces aspartic acid, which is acidic and polar, with glutamic acid, which is acidic and polar, at codon 308 of the MICAL1 protein (p.Asp308Glu). This variant has not been reported in the literature in individuals affected with MICAL1-related conditions. Algorithms developed to predict the effect of missense changes on protein structure and function are either unavailable or do not agree on the potential impact of this missense change (SIFT: "Deleterious"; PolyPhen-2: "Probably Damaging"; Align-GVGD: "Class C0"). In summary, the available evidence is currently insufficient to determine the role of this variant in disease. Therefore, it has been classified as a Variant of Uncertain Significance.